The following is an entry in ClinVar:

NM_000138.5(FBN1):c.5063T>C (p.Met1688Thr)

Gene: FBN1 (fibrillin 1; minus strand). Cytogenetic location: 15q21.1.
Variant type: single nucleotide variant.
Coding change: c.5063T>C on transcript NM_000138.5 (MANE Select); coding-DNA position 5063, T replaced by C.
Protein change: p.Met1688Thr; replaces methionine 1688 with threonine.
Molecular consequence: missense variant.
Genome position (GRCh38, 1-based): chr15:48,463,901, A>G on the plus strand (T>C on the coding strand, the complement: FBN1 is on the minus strand). VCF-style: chr15-48463901-A-G. GRCh37 (hg19) VCF-style: chr15-48756098-A-G.
Other names: short protein forms M1688T.
Identifiers: ClinVar variation 1677646 (VCV001677646.5), dbSNP rs771444877, ClinGen allele CA054155.

ClinVar aggregate classification (germline): Uncertain significance. Review status: criteria provided, multiple submitters, no conflicts (2 of 4 stars). 3 submissions from 3 submitters: Uncertain significance (3). Last evaluated 2025-03-16.

Conditions:
Marfan syndrome (MFS). Also called: Marfan syndrome, classic; MARFAN SYNDROME, TYPE I; Marfan syndrome type 1; Marfan's syndrome; FBN1-Related Marfan Syndrome. Identifiers: Orphanet 284963, Orphanet 558, MedGen C0024796, MONDO:0007947, OMIM 154700.
Familial thoracic aortic aneurysm and aortic dissection (TAAD). Also called: Thoracic aortic aneurysms and dissections. Identifiers: Orphanet 91387, MedGen C4707243, MONDO:0019625.

Allele frequency attached by ClinVar (database versions not stated): ExAC 0.00002; gnomAD exomes 0.00001; TOPMed 0.00001; gnomAD 0.00001.

Submissions (3):

Labcorp Genetics (formerly Invitae), Labcorp
Classification: Uncertain significance for Marfan syndrome; Familial thoracic aortic aneurysm and aortic dissection. Last evaluated: 2025-03-16. Review status: criteria provided, single submitter. Criteria: Invitae Variant Classification Sherloc (09022015). Collection method: clinical testing. Allele origin: germline.
Comment: This sequence change replaces methionine, which is neutral and non-polar, with threonine, which is neutral and polar, at codon 1688 of the FBN1 protein (p.Met1688Thr). This variant is present in population databases (rs771444877, gnomAD 0.002%). This missense change has been observed in individual(s) with 27906200 (FBN1-related conditions). ClinVar contains an entry for this variant (Variation ID: 1677646). An algorithm developed to predict the effect of missense changes on protein structure and function (PolyPhen-2) suggests that this variant is likely to be disruptive. In summary, the available evidence is currently insufficient to determine the role of this variant in disease. Therefore, it has been classified as a Variant of Uncertain Significance.

Color Diagnostics, LLC DBA Color Health
Classification: Uncertain significance for Familial thoracic aortic aneurysm and aortic dissection. Last evaluated: 2023-07-06. Review status: criteria provided, single submitter. Criteria: ACMG Guidelines, 2015. Collection method: clinical testing. Allele origin: germline.
Comment: This missense variant replaces methionine with threonine at codon 1688 of the FBN1 protein. Computational prediction suggests that this variant may have deleterious impact on protein structure and function (internally defined REVEL score threshold >= 0.7, PMID: 27666373). To our knowledge, functional studies have not been reported for this variant. This variant has not been reported in individuals affected with FBN1-related disorders in the literature. This variant has been identified in 3/279638 chromosomes in the general population by the Genome Aggregation Database (gnomAD). The available evidence is insufficient to determine the role of this variant in disease conclusively. Therefore, this variant is classified as a Variant of Uncertain Significance.

AiLife Diagnostics
Classification: Uncertain significance. Last evaluated: 2021-11-18. Review status: criteria provided, single submitter. Criteria: ACMG Guidelines, 2015. Collection method: clinical testing. Allele origin: germline. Affected: yes. Observed: 1 variant allele.

Literature cited by the submitters: PubMed 27906200 (cited by AiLife Diagnostics).